The following is an entry in ClinVar:

ClinVar aggregate classification (germline): Uncertain significance (1 of 4 stars; one submission).

Allele frequency attached by ClinVar (database versions not stated): gnomAD below 0.00001 and 0.00001; gnomAD exomes 0.00001; ExAC 0.00002; 1000 Genomes Project 30x 0.00016; 1000 Genomes Project 0.00020.
gnomAD v4.1: 13 of 1,613,938 alleles (0.00081%); highest among the groups gnomAD compares: South Asian, 0.012%; no homozygotes.

Submission:

Labcorp Genetics (formerly Invitae), Labcorp
Classification: Uncertain significance. Last evaluated: 2023-11-27. Review status: criteria provided, single submitter. Criteria: Invitae Variant Classification Sherloc (09022015). Collection method: clinical testing. Allele origin: germline.
Comment: This sequence change replaces histidine, which is basic and polar, with arginine, which is basic and polar, at codon 194 of the KIZ protein (p.His194Arg). This variant is present in population databases (rs578007036, gnomAD 0.01%). This missense change has been observed in individual(s) with clinical features of inherited retinal dystrophy (Invitae). ClinVar contains an entry for this variant (Variation ID: 1002511). Experimental studies and prediction algorithms are not available or were not evaluated, and the functional significance of this variant is currently unknown. In summary, the available evidence is currently insufficient to determine the role of this variant in disease. Therefore, it has been classified as a Variant of Uncertain Significance.

NM_018474.6(KIZ):c.581A>G (p.His194Arg)

Gene: KIZ (kizuna centrosomal protein; plus strand). Cytogenetic location: 20p11.23.
Variant type: single nucleotide variant.
Coding change: c.581A>G on transcript NM_018474.6 (MANE Select); coding-DNA position 581, A replaced by G.
Protein change: p.His194Arg; replaces histidine 194 with arginine.
Molecular consequence: missense variant.
Genome position (GRCh38, 1-based): chr20:21,162,046, A>G. VCF-style: chr20-21162046-A-G. GRCh37 (hg19) VCF-style: chr20-21142687-A-G.
Other names: c.272A>G, p.His91Arg (NM_001163022.3, NM_001352435.2); c.182A>G, p.His61Arg (NM_001163023.3); c.434A>G, p.His145Arg (NM_001276389.2); c.581A>G, p.His194Arg (NM_001352434.2); c.239A>G, p.His80Arg (NM_001352436.2); short protein forms H145R, H194R, H61R, H80R, H91R.
Identifiers: ClinVar variation 1002511 (VCV001002511.7), dbSNP rs578007036, ClinGen allele CA9784672.